The following is an entry in ClinVar:

ClinVar aggregate classification (germline): Uncertain significance (1 of 4 stars; one submission).

Conditions:
Congenital heart defects, dysmorphic facial features, and intellectual developmental disorder (CHDFIDD). Identifiers: Orphanet 646278, MedGen C4479246, MONDO:0044302, OMIM 617360.

Submission:

New York Genome Center
Classification: Uncertain significance for Congenital heart defects, dysmorphic facial features, and intellectual developmental disorder. Last evaluated: 2019-12-27. Review status: criteria provided, single submitter. Criteria: NYGC Assertion Criteria 2020. Collection method: clinical testing. Allele origin: germline. Observed: 1 heterozygote. Study: CSER-NYCKidSeq.
Comment: The c.1497C>A (p.Asn499Lys) variant identified in the CDK13 gene substitutes a well conserved Asparagine for Lysine at amino acid 499/1453 (coding exon 2/14). This variant is absent from gnomAD suggesting it is not a common benign variant in the populations represented in this database. In silico algorithms predict this variant to be Neutral (Provean; score:-1.31) and Tolerated (SIFT; score:0.066) to the function of the canonical transcript. This variant is absent from ClinVar and to our current knowledge has not been reported in affected individuals in the literature. Currently all pathogenic or likely pathogenic variants in CDK13 have been identified in the protein kinase domain of the protein, and variants outside of this domain are classified as Variants of Uncertain Significance in ClinVar. Given the lack of compelling evidence for its pathogenicity, the c.1497C>A (p.Asn499Lys) variant is reported as a Variant of Uncertain Significance.

NM_003718.5(CDK13):c.1497C>A (p.Asn499Lys)

Gene: CDK13 (cyclin dependent kinase 13; plus strand). Cytogenetic location: 7p14.1.
Variant type: single nucleotide variant.
Coding change: c.1497C>A on transcript NM_003718.5 (MANE Select); coding-DNA position 1497, C replaced by A.
Protein change: p.Asn499Lys; replaces asparagine 499 with lysine.
Molecular consequence: missense variant.
Genome position (GRCh38, 1-based): chr7:39,987,884, C>A. VCF-style: chr7-39987884-C-A. GRCh37 (hg19) VCF-style: chr7-40027483-C-A.
Other names: c.1497C>A, p.Asn499Lys (NM_031267.4); short protein forms N499K.
Identifiers: ClinVar variation 978106 (VCV000978106.2), dbSNP rs1258709717, ClinGen allele CA367282634.
Genomic context (GRCh38, chr7:39,987,884, plus strand): 5'-TGCTGAGGCTGCTGCCAAGGCTGCAAAAGCTTCAAACACTTCTACACCTACCAAGGGGAA[C>A]ACGGAAACTAGTGCCAGTGCATCACAAACAAACCATGTGAAGGATGTGAAGAAAATTAAA-3'
Protein context (NP_003709.3, residues 489-509): ASNTSTPTKG[Asn499Lys]TETSASASQT